The following is an entry in ClinVar:

ClinVar aggregate classification (germline): Uncertain significance (1 of 4 stars; one submission).

Conditions:
Hypertrophic cardiomyopathy. Also called: HYPERTROPHIC MYOCARDIOPATHY. Identifiers: Orphanet 217569, MedGen C0007194, MeSH D002312, MONDO:0005045, HP:0001639.

Submission:

Labcorp Genetics (formerly Invitae), Labcorp
Classification: Uncertain significance for Hypertrophic cardiomyopathy. Last evaluated: 2025-02-26. Review status: criteria provided, single submitter. Criteria: Invitae Variant Classification Sherloc (09022015). Collection method: clinical testing. Allele origin: germline.
Comment: This sequence change replaces leucine, which is neutral and non-polar, with arginine, which is basic and polar, at codon 472 of the MYOM1 protein (p.Leu472Arg). This variant is not present in population databases (gnomAD no frequency). This variant has not been reported in the literature in individuals affected with MYOM1-related conditions. Invitae Evidence Modeling of protein sequence and biophysical properties (such as structural, functional, and spatial information, amino acid conservation, physicochemical variation, residue mobility, and thermodynamic stability) has been performed for this missense variant. However, the output from this modeling did not meet the statistical confidence thresholds required to predict the impact of this variant on MYOM1 protein function. In summary, the available evidence is currently insufficient to determine the role of this variant in disease. Therefore, it has been classified as a Variant of Uncertain Significance.

NM_003803.4(MYOM1):c.1415T>G (p.Leu472Arg)

Gene: MYOM1 (myomesin 1; minus strand). Cytogenetic location: 18p11.31.
Variant type: single nucleotide variant.
Coding change: c.1415T>G on transcript NM_003803.4 (MANE Select); coding-DNA position 1415, T replaced by G.
Protein change: p.Leu472Arg; replaces leucine 472 with arginine.
Molecular consequence: missense variant.
Genome position (GRCh38, 1-based): chr18:3,164,364, A>C on the plus strand (T>G on the coding strand, the complement: MYOM1 is on the minus strand). VCF-style: chr18-3164364-A-C. GRCh37 (hg19) VCF-style: chr18-3164362-A-C.
Other names: c.1415T>G, p.Leu472Arg (NM_019856.2); short protein forms L472R.
Identifiers: ClinVar variation 4743065 (VCV004743065.1).